The following is an entry in ClinVar:

NM_002299.4(LCT):c.1332C>T (p.Cys444=)

Genes: LCT (lactase; minus strand), LOC126806353 (BRD4-independent group 4 enhancer GRCh37_chr2:136574960-136576159; plus strand). Cytogenetic location: 2q21.3.
Variant type: single nucleotide variant.
Coding change: c.1332C>T on transcript NM_002299.4 (MANE Select); coding-DNA position 1332, C replaced by T.
Protein change: p.Cys444=; no amino-acid change (cysteine 444 retained).
Molecular consequence: synonymous variant.
Genome position (GRCh38, 1-based): chr2:135,817,716, G>A on the plus strand (C>T on the coding strand, the complement: LCT is on the minus strand). VCF-style: chr2-135817716-G-A. GRCh37 (hg19) VCF-style: chr2-136575286-G-A.
Other names: c.1332C>T (NM_002299.3).
Identifiers: ClinVar variation 2961279 (VCV002961279.5), dbSNP rs370939537, ClinGen allele CA1888405.

ClinVar aggregate classification (germline): Likely benign. Review status: criteria provided, single submitter (1 of 4 stars). 2 submissions from 2 submitters: Likely benign (1). 1 of the submissions does not count toward it. Last evaluated 2023-08-04.

Conditions:
LCT-related disorder. Also called: LCT-related condition.

Allele frequency attached by ClinVar (database versions not stated): gnomAD 0.00001; gnomAD exomes 0.00001; ExAC 0.00006; ESP Exome Variant Server 0.00008.
gnomAD v4.1: 23 of 1,613,880 alleles (0.0014%); highest among the groups gnomAD compares: Middle Eastern, 0.016%; no homozygotes.

Submissions (2):

Labcorp Genetics (formerly Invitae), Labcorp
Classification: Likely benign. Last evaluated: 2023-08-04. Review status: criteria provided, single submitter. Criteria: Invitae Variant Classification Sherloc (09022015). Collection method: clinical testing. Allele origin: germline.

PreventionGenetics, part of Exact Sciences
Classification: Likely benign for LCT-related condition. Last evaluated: 2023-07-31. Review status: no assertion criteria provided. Collection method: clinical testing. Allele origin: germline. Not counted in ClinVar's aggregate classification.
Comment: This variant is classified as likely benign based on ACMG/AMP sequence variant interpretation guidelines (Richards et al. 2015 PMID: 25741868, with internal and published modifications).